The following is an entry in ClinVar:

ClinVar aggregate classification (germline): Likely benign. Review status: criteria provided, multiple submitters, no conflicts (2 of 4 stars). 2 submissions from 2 submitters: Likely benign (2). Last evaluated 2025-12-20.

Conditions:
Primary ciliary dyskinesia. Also called: Ciliary dyskinesia. Identifiers: Orphanet 244, MedGen C0008780, MONDO:0016575, HP:0012265.
DNAH11-related disorder. Also called: DNAH11-related condition.

Allele frequency attached by ClinVar (database versions not stated): gnomAD exomes 0.00002 and 0.00007; ExAC 0.00009; gnomAD 0.00018 and 0.00020; TOPMed 0.00029.
gnomAD v4.1: 60 of 1,613,646 alleles (0.0037%); highest among the groups gnomAD compares: African/African-American, 0.075%; no homozygotes.

Submissions (2):

Labcorp Genetics (formerly Invitae), Labcorp
Classification: Likely benign for Primary ciliary dyskinesia. Last evaluated: 2025-12-20. Review status: criteria provided, single submitter. Criteria: Invitae Variant Classification Sherloc (09022015). Collection method: clinical testing. Allele origin: germline.

PreventionGenetics, part of Exact Sciences
Classification: Likely benign for DNAH11-related condition. Last evaluated: 2024-12-22. Review status: criteria provided, single submitter. Criteria: ACMG Guidelines, 2015. Collection method: clinical testing. Allele origin: germline.
Comment: This variant is classified as likely benign based on ACMG/AMP sequence variant interpretation guidelines (Richards et al. 2015 PMID: 25741868, with internal and published modifications).

NM_001277115.2(DNAH11):c.1866A>C (p.Val622=)

Gene: DNAH11 (dynein axonemal heavy chain 11; plus strand). Cytogenetic location: 7p15.3.
Variant type: single nucleotide variant.
Coding change: c.1866A>C on transcript NM_001277115.2 (MANE Select); coding-DNA position 1866, A replaced by C.
Protein change: p.Val622=; no amino-acid change (valine 622 retained).
Molecular consequence: synonymous variant.
Genome position (GRCh38, 1-based): chr7:21,588,529, A>C. VCF-style: chr7-21588529-A-C. GRCh37 (hg19) VCF-style: chr7-21628147-A-C.
Other names: c.1866A>C (NM_001277115.1).
Identifiers: ClinVar variation 1157446 (VCV001157446.10), dbSNP rs750617653, ClinGen allele CA4179139.